The following is an entry in ClinVar:

ClinVar aggregate classification (germline): Likely pathogenic (1 of 4 stars; one submission).

Conditions:
Cholestasis, progressive familial intrahepatic, 7, with or without hearing loss. Identifiers: MedGen C5562043, MONDO:0030503, OMIM 619658.

Submission:

3billion
Classification: Likely pathogenic for Cholestasis, progressive familial intrahepatic, 7, with or without hearing loss. Last evaluated: 2022-09-01. Review status: criteria provided, single submitter. Criteria: ACMG Guidelines, 2015. Collection method: clinical testing. Allele origin: germline. Affected: yes. Observed: 1 heterozygote.
Comment: The variant is not observed in the gnomAD v2.1.1 dataset. Frameshift variant is predicted to result in a loss or disruption of normal protein function through nonsense-mediated decay (NMD) or protein truncation. Multiple pathogenic variants are reported downstream of the variant. Therefore, this variant is classified as Likely pathogenic according to the recommendation of ACMG/AMP guideline.

NM_001371395.1(USP53):c.78_79dup (p.Ala27fs)

Gene: USP53 (ubiquitin specific peptidase 53; plus strand). Cytogenetic location: 4q26.
Variant type: Duplication.
Coding change: c.78_79dup on transcript NM_001371395.1 (MANE Select); coding-DNA positions 78 to 79, 2 bases duplicated (AG; older notation c.78_79dupAG).
Protein change: p.Ala27fs; shifts the reading frame from alanine 27.
Molecular consequence: frameshift variant. On other transcripts: intron variant (6).
Genome position (GRCh38, 1-based): chr4:119,239,837-119,239,838, AG duplicated. VCF-style (leftmost placement, unchanged base first): chr4-119239836-T-TAG. GRCh37 (hg19) VCF-style: chr4-120160991-T-TAG.
Other names: c.78_79dup, p.Ala27fs (NM_001371396.1, NM_001371397.1, NM_001371398.1 and 6 more transcripts); c.-204-5500_-204-5499dup (NM_001389663.1, NM_001389667.1, NM_001389662.1 and 2 more transcripts); c.-205+4426_-205+4427dup (NM_001389664.1); short protein forms A27fs.
Identifiers: ClinVar variation 1705629 (VCV001705629.1), dbSNP rs2530194325, ClinGen allele CA2580071417.